The following is an entry in ClinVar:

ClinVar aggregate classification (germline): Pathogenic (1 of 4 stars; one submission).

Conditions:
Glanzmann thrombasthenia 2. Also called: BLEEDING DISORDER, PLATELET-TYPE, 23. Identifiers: MedGen C5543273, MONDO:0031009, OMIM 619267.

gnomAD v4.1: 4 of 1,614,122 alleles (0.00025%); highest among the groups gnomAD compares: Non-Finnish European, 0.00034%; no homozygotes.

Submission:

Women's Health and Genetics/Laboratory Corporation of America, LabCorp
Classification: Pathogenic for Glanzmann thrombasthenia 2. Last evaluated: 2024-07-10. Review status: criteria provided, single submitter. Criteria: LabCorp Variant Classification Summary - May 2015. Collection method: clinical testing. Allele origin: germline.
Comment: Variant summary: ITGB3 c.1801T>A (p.Cys601Ser), also reported as Cys575Ser, results in a non-conservative amino acid change located in the EGF-like domain, extracellular domain (IPR013111) of the encoded protein sequence. Five of five in-silico tools predict a damaging effect of the variant on protein function. The variant allele was found at a frequency of 4e-06 in 251464 control chromosomes. To our knowledge, no occurrence of c.1801T>A in individuals affected with Glanzmann Thrombasthenia 2 has been reported. However, a different variant affecting the same codon has been classified as pathogenic by our lab for autosomal recessive Glanzmann Thrombasthenia (c.1801T>C, p.Cys601Arg), supporting the critical relevance of codon 601 to ITGB3 protein function. At least one publication reports experimental evidence evaluating an impact on protein function. In vitro assessment of protein surface expression found that this variant reduced surface expression to 9% of wild type controls in a BHK cell line (example, Mor-Cohen_2008). The following publications have been ascertained in the context of this evaluation (PMID: 18458089, 22308022). No submitters have cited clinical-significance assessments for this variant to ClinVar. Based on the evidence outlined above, the variant was classified as pathogenic.

Literature cited by the submitters: PubMed 18458089; PubMed 22308022.

NM_000212.3(ITGB3):c.1801T>A (p.Cys601Ser)

Gene: ITGB3 (integrin subunit beta 3; plus strand). Cytogenetic location: 17q21.32.
Variant type: single nucleotide variant.
Coding change: c.1801T>A on transcript NM_000212.3 (MANE Select); coding-DNA position 1801, T replaced by A.
Protein change: p.Cys601Ser; replaces cysteine 601 with serine.
Molecular consequence: missense variant.
Genome position (GRCh38, 1-based): chr17:47,299,418, T>A. VCF-style: chr17-47299418-T-A. GRCh37 (hg19) VCF-style: chr17-45376784-T-A.
Other names: short protein forms C601S.
Identifiers: ClinVar variation 3338985 (VCV003338985.1).